The following is an entry in ClinVar:

ClinVar aggregate classification (germline): Uncertain significance. Review status: criteria provided, multiple submitters, no conflicts (2 of 4 stars). 6 submissions from 6 submitters: Uncertain significance (5). 1 of the submissions does not count toward it. Last evaluated 2025-11-05.

Conditions:
Hereditary cancer-predisposing syndrome. Also called: Neoplastic Syndromes, Hereditary; Hereditary neoplastic syndrome; Tumor predisposition; Hereditary Cancer Syndrome. Identifiers: Orphanet 140162, MedGen C0027672, MeSH D009386, MONDO:0015356.
Ataxia-telangiectasia syndrome (AT). Also called: Ataxia telangiectasia (A-T); Cerebello-oculocutaneous telangiectasia; Immunodeficiency with ataxia telangiectasia; LOUIS-BAR SYNDROME; AT, COMPLEMENTATION GROUP C; ATAXIA-TELANGIECTASIA, FRESNO VARIANT. Identifiers: Orphanet 100, MedGen C0004135, MONDO:0008840, OMIM 208900.

Submissions (6):

Labcorp Genetics (formerly Invitae), Labcorp
Classification: Uncertain significance for Ataxia-telangiectasia syndrome. Last evaluated: 2025-11-05. Review status: criteria provided, single submitter. Criteria: Invitae Variant Classification Sherloc (09022015). Collection method: clinical testing. Allele origin: germline.
Comment: This sequence change replaces threonine, which is neutral and polar, with alanine, which is neutral and non-polar, at codon 2771 of the ATM protein (p.Thr2771Ala). This variant is not present in population databases (gnomAD no frequency). This variant has not been reported in the literature in individuals affected with ATM-related conditions. ClinVar contains an entry for this variant (Variation ID: 233708). Invitae Evidence Modeling of protein sequence and biophysical properties (such as structural, functional, and spatial information, amino acid conservation, physicochemical variation, residue mobility, and thermodynamic stability) indicates that this missense variant is not expected to disrupt ATM protein function with a negative predictive value of 95%. In summary, the available evidence is currently insufficient to determine the role of this variant in disease. Therefore, it has been classified as a Variant of Uncertain Significance.

Ambry Genetics
Classification: Uncertain significance for Hereditary cancer-predisposing syndrome. Last evaluated: 2024-12-26. Review status: criteria provided, single submitter. Criteria: Ambry Variant Classification Scheme 2023. Collection method: clinical testing. Allele origin: germline.
Comment: The p.T2771A variant (also known as c.8311A>G), located in coding exon 56 of the ATM gene, results from an A to G substitution at nucleotide position 8311. The threonine at codon 2771 is replaced by alanine, an amino acid with similar properties. This amino acid position is not well conserved in available vertebrate species. In addition, this alteration is predicted to be tolerated by in silico analysis. Based on the available evidence, the clinical significance of this variant remains unclear.

Athena Diagnostics
Classification: Uncertain significance. Last evaluated: 2020-11-20. Review status: criteria provided, single submitter. Criteria: Athena Diagnostics criteria. Collection method: clinical testing. Allele origin: unknown.

Quest Diagnostics Nichols Institute San Juan Capistrano
Classification: Uncertain significance. Last evaluated: 2020-11-20. Review status: criteria provided, single submitter. Criteria: Quest Diagnostics criteria. Collection method: clinical testing. Allele origin: unknown.
Comment: To the best of our knowledge, this variant has not been reported in the published literature. It also has not been reported in large, multi-ethnic general populations (Genome Aggregation Database). Analysis of this variant using bioinformatics tools for the prediction of the effect of amino acid changes on protein structure and function yielded predictions that this variant is benign. Additional analysis using software algorithms for the prediction of the effect of nucleotide changes on ATM mRNA splicing yielded predictions that this variant may result in the gain of a cryptic splice site without affecting the natural splice sites. Based on the available information, we are unable to determine the clinical significance of this variant.

GeneDx
Classification: Uncertain significance. Last evaluated: 2020-03-10. Review status: criteria provided, single submitter. Criteria: GeneDx Variant Classification Process June 2021. Collection method: clinical testing. Allele origin: germline. Affected: yes.
Comment: Not observed in large population cohorts (Lek et al., 2016); In silico analysis supports that this missense variant does not alter protein structure/function; Has not been previously published as pathogenic or benign to our knowledge

Natera, Inc.
Classification: Uncertain significance for Ataxia-telangiectasia. Last evaluated: 2021-02-09. Review status: no assertion criteria provided. Collection method: clinical testing. Allele origin: germline. Not counted in ClinVar's aggregate classification.

NM_000051.4(ATM):c.8311A>G (p.Thr2771Ala)

Genes: ATM (ATM serine/threonine kinase; plus strand), C11orf65 (chromosome 11 open reading frame 65; minus strand). Cytogenetic location: 11q22.3.
Variant type: single nucleotide variant.
Coding change: c.8311A>G on transcript NM_000051.4 (MANE Select); coding-DNA position 8311, A replaced by G.
Protein change: p.Thr2771Ala; replaces threonine 2771 with alanine.
Molecular consequence: missense variant. On other transcripts: intron variant (2).
Genome position (GRCh38, 1-based): chr11:108,343,264, A>G. VCF-style: chr11-108343264-A-G. GRCh37 (hg19) VCF-style: chr11-108213991-A-G.
Other names: c.8311A>G, p.Thr2771Ala (NM_001351834.2); c.641-34193T>C (NM_001330368.2); c.695-7972T>C (NM_001351110.2); short protein forms T2771A.
Identifiers: ClinVar variation 233708 (VCV000233708.29), dbSNP rs876660587, ClinGen allele CA10579295.